The following is an entry in ClinVar:

NM_016239.4(MYO15A):c.8125C>T (p.Gln2709Ter)

Gene: MYO15A (myosin XVA; plus strand). Cytogenetic location: 17p11.2.
Variant type: single nucleotide variant.
Coding change: c.8125C>T on transcript NM_016239.4 (MANE Select); coding-DNA position 8125, C replaced by T.
Protein change: p.Gln2709Ter; replaces glutamine 2709 with a stop codon.
Molecular consequence: nonsense.
Genome position (GRCh38, 1-based): chr17:18,154,167, C>T. VCF-style: chr17-18154167-C-T. GRCh37 (hg19) VCF-style: chr17-18057481-C-T.
Other names: short protein forms Q2709*.
Identifiers: ClinVar variation 2838079 (VCV002838079.3), dbSNP rs2545294406, ClinGen allele CA398625293.

ClinVar aggregate classification (germline): Pathogenic (1 of 4 stars; one submission).

Submission:

Labcorp Genetics (formerly Invitae), Labcorp
Classification: Pathogenic. Last evaluated: 2023-02-16. Review status: criteria provided, single submitter. Criteria: Invitae Variant Classification Sherloc (09022015). Collection method: clinical testing. Allele origin: germline.
Comment: For these reasons, this variant has been classified as Pathogenic. This variant has not been reported in the literature in individuals affected with MYO15A-related conditions. This variant is not present in population databases (gnomAD no frequency). This sequence change creates a premature translational stop signal (p.Gln2709*) in the MYO15A gene. It is expected to result in an absent or disrupted protein product. Loss-of-function variants in MYO15A are known to be pathogenic (PMID: 17546645).

Literature cited by the submitters: PubMed 17546645.